The following is an entry in ClinVar:

NM_033225.6(CSMD1):c.9303G>A (p.Pro3101=)

Genes: CSMD1 (CUB and Sushi multiple domains 1; minus strand), LOC105377785 (uncharacterized LOC105377785; plus strand). Cytogenetic location: 8p23.2.
Variant type: single nucleotide variant.
Coding change: c.9303G>A on transcript NM_033225.6 (MANE Select); coding-DNA position 9303, G replaced by A.
Protein change: p.Pro3101=; no amino-acid change (proline 3101 retained).
Molecular consequence: synonymous variant.
Genome position (GRCh38, 1-based): chr8:2,963,373, C>T on the plus strand (G>A on the coding strand, the complement: CSMD1 is on the minus strand). VCF-style: chr8-2963373-C-T. GRCh37 (hg19) VCF-style: chr8-2820895-C-T.
Identifiers: ClinVar variation 3039728 (VCV003039728.2), dbSNP rs35515847, ClinGen allele CA4605208.

ClinVar aggregate classification (germline): Benign (0 of 4 stars; one submission).

Conditions:
CSMD1-related disorder. Also called: CSMD1-related condition.

Allele frequency attached by ClinVar (database versions not stated): 1000 Genomes Project 30x 0.00515; 1000 Genomes Project 0.00559; TOPMed 0.00841; ESP Exome Variant Server 0.01120; ExAC 0.01176.
gnomAD v4.1: 19,827 of 1,613,868 alleles (1.2%); highest among the groups gnomAD compares: Middle Eastern, 2.9%; 164 homozygotes.

Submission:

PreventionGenetics, part of Exact Sciences
Classification: Benign for CSMD1-related condition. Last evaluated: 2019-03-19. Review status: no assertion criteria provided. Collection method: clinical testing. Allele origin: germline.
Comment: This variant is classified as benign based on ACMG/AMP sequence variant interpretation guidelines (Richards et al. 2015 PMID: 25741868, with internal and published modifications).